The following is an entry in ClinVar:

ClinVar aggregate classification (germline): Likely benign (0 of 4 stars; one submission).

Conditions:
PTPRD-related disorder. Also called: PTPRD-related condition.

Allele frequency attached by ClinVar (database versions not stated): gnomAD exomes 0.00001; ExAC 0.00002; ESP Exome Variant Server 0.00015.
gnomAD v4.1: 14 of 1,612,786 alleles (0.00087%); highest among the groups gnomAD compares: Middle Eastern, 0.17%; no homozygotes.

Submission:

PreventionGenetics, part of Exact Sciences
Classification: Likely benign for PTPRD-related condition. Last evaluated: 2019-04-01. Review status: no assertion criteria provided. Collection method: clinical testing. Allele origin: germline.
Comment: This variant is classified as likely benign based on ACMG/AMP sequence variant interpretation guidelines (Richards et al. 2015 PMID: 25741868, with internal and published modifications).

NM_002839.4(PTPRD):c.3420C>T (p.Tyr1140=)

Gene: PTPRD (protein tyrosine phosphatase receptor type D; minus strand). Cytogenetic location: 9p24.1.
Variant type: single nucleotide variant.
Coding change: c.3420C>T on transcript NM_002839.4 (MANE Select); coding-DNA position 3420, C replaced by T.
Protein change: p.Tyr1140=; no amino-acid change (tyrosine 1140 retained).
Molecular consequence: synonymous variant.
Genome position (GRCh38, 1-based): chr9:8,471,079, G>A on the plus strand (C>T on the coding strand, the complement: PTPRD is on the minus strand). VCF-style: chr9-8471079-G-A. GRCh37 (hg19) VCF-style: chr9-8471079-G-A.
Other names: c.2178C>T, p.Tyr726= (NM_001040712.2); c.2157C>T, p.Tyr719= (NM_001171025.2); c.2169C>T, p.Tyr723= (NM_001377946.1); c.2181C>T, p.Tyr727= (NM_001377947.1); c.3423C>T, p.Tyr1141= (NM_001377958.1); c.3420C>T, p.Tyr1140= (NM_001378058.1); c.2187C>T, p.Tyr729= (NM_130391.4, NM_130392.3); c.2172C>T, p.Tyr724= (NM_130393.3).
Identifiers: ClinVar variation 3058568 (VCV003058568.2), dbSNP rs373588955, ClinGen allele CA4983819.